The following is an entry in ClinVar:

NM_024409.4(NPPC):c.182G>A (p.Gly61Asp)

Gene: NPPC (natriuretic peptide C; minus strand). Cytogenetic location: 2q37.1.
Variant type: single nucleotide variant.
Coding change: c.182G>A on transcript NM_024409.4 (MANE Select); coding-DNA position 182, G replaced by A.
Protein change: p.Gly61Asp; replaces glycine 61 with aspartic acid.
Molecular consequence: missense variant.
Genome position (GRCh38, 1-based): chr2:231,925,624, C>T on the plus strand (G>A on the coding strand, the complement: NPPC is on the minus strand). VCF-style: chr2-231925624-C-T. GRCh37 (hg19) VCF-style: chr2-232790334-C-T.
Other names: short protein forms G61D.
Identifiers: ClinVar variation 2899208 (VCV002899208.3), dbSNP rs748278577, ClinGen allele CA2163633.

ClinVar aggregate classification (germline): Uncertain significance (1 of 4 stars; one submission).

Submission:

Labcorp Genetics (formerly Invitae), Labcorp
Classification: Uncertain significance. Last evaluated: 2023-08-16. Review status: criteria provided, single submitter. Criteria: Invitae Variant Classification Sherloc (09022015). Collection method: clinical testing. Allele origin: germline.
Comment: This sequence change replaces glycine, which is neutral and non-polar, with aspartic acid, which is acidic and polar, at codon 61 of the NPPC protein (p.Gly61Asp). In summary, the available evidence is currently insufficient to determine the role of this variant in disease. Therefore, it has been classified as a Variant of Uncertain Significance. An algorithm developed to predict the effect of missense changes on protein structure and function (PolyPhen-2) suggests that this variant is likely to be disruptive. This variant has not been reported in the literature in individuals affected with NPPC-related conditions. This variant is present in population databases (rs748278577, gnomAD 0.04%), and has an allele count higher than expected for a pathogenic variant.